The following is an entry in ClinVar:

ClinVar aggregate classification (germline): Conflicting classifications of pathogenicity. Review status: criteria provided, conflicting classifications (1 of 4 stars). 3 submissions from 3 submitters: Uncertain significance (1); Likely benign (1). 1 of the submissions does not count toward it. Last evaluated 2026-02-25.

Conditions:
Inborn genetic diseases. Identifiers: MedGen C0950123, MeSH D030342.
PKD1L1-related disorder. Also called: PKD1L1-related condition.

Allele frequency attached by ClinVar (database versions not stated): ExAC 0.00005; gnomAD exomes 0.00006; ESP Exome Variant Server 0.00008; gnomAD 0.00018; TOPMed 0.00025.

Submissions (3):

GeneDx
Classification: Uncertain significance. Last evaluated: 2026-02-25. Review status: criteria provided, single submitter. Criteria: GeneDx Variant Classification Process June 2021. Collection method: clinical testing. Allele origin: germline.
Comment: The proband was also heterozygous for a variant in a different gene associated with autosomal recessive primary ciliary dyskinesia (PMID: 40543504); In silico analysis suggests that this missense variant does not alter protein structure/function; This variant is associated with the following publications: (PMID: 40543504)

Ambry Genetics
Classification: Likely benign for Inborn genetic diseases. Last evaluated: 2023-05-25. Review status: criteria provided, single submitter. Criteria: Ambry Variant Classification Scheme 2023. Collection method: clinical testing. Allele origin: germline.

PreventionGenetics, part of Exact Sciences
Classification: Uncertain significance for PKD1L1-related condition. Last evaluated: 2024-03-05. Review status: no assertion criteria provided. Collection method: clinical testing. Allele origin: germline. Not counted in ClinVar's aggregate classification.
Comment: The PKD1L1 c.1525G>A variant is predicted to result in the amino acid substitution p.Val509Ile. To our knowledge, this variant has not been reported in the literature. This variant is reported in 0.048% of alleles in individuals of African descent in gnomAD. At this time, the clinical significance of this variant is uncertain due to the absence of conclusive functional and genetic evidence.

NM_138295.5(PKD1L1):c.1525G>A (p.Val509Ile)

Gene: PKD1L1 (polycystin 1 like 1, transient receptor potential channel interacting; minus strand). Cytogenetic location: 7p12.3.
Variant type: single nucleotide variant.
Coding change: c.1525G>A on transcript NM_138295.5 (MANE Select); coding-DNA position 1525, G replaced by A.
Protein change: p.Val509Ile; replaces valine 509 with isoleucine.
Molecular consequence: missense variant.
Genome position (GRCh38, 1-based): chr7:47,905,323, C>T on the plus strand (G>A on the coding strand, the complement: PKD1L1 is on the minus strand). VCF-style: chr7-47905323-C-T. GRCh37 (hg19) VCF-style: chr7-47944920-C-T.
Other names: short protein forms V509I.
Identifiers: ClinVar variation 2510090 (VCV002510090.4), dbSNP rs144866907, ClinGen allele CA4254006.